The following is an entry in ClinVar:

ClinVar aggregate classification (germline): Uncertain significance. Review status: criteria provided, multiple submitters, no conflicts (2 of 4 stars). 2 submissions from 2 submitters: Uncertain significance (2). Last evaluated 2025-11-13.

Conditions:
Hereditary cancer-predisposing syndrome. Also called: Hereditary neoplastic syndrome; Neoplastic Syndromes, Hereditary; Tumor predisposition; Hereditary Cancer Syndrome. Identifiers: Orphanet 140162, MedGen C0027672, MeSH D009386, MONDO:0015356.

Allele frequency attached by ClinVar (database versions not stated): gnomAD exomes below 0.00001.
gnomAD v4.1: 1 of 1,614,120 alleles (0.000062%); highest among the groups gnomAD compares: Non-Finnish European, 0.000085%; no homozygotes.

Submissions (2):

Labcorp Genetics (formerly Invitae), Labcorp
Classification: Uncertain significance. Last evaluated: 2025-11-13. Review status: criteria provided, single submitter. Criteria: Invitae Variant Classification Sherloc (09022015). Collection method: clinical testing. Allele origin: germline.
Comment: This sequence change replaces tyrosine, which is neutral and polar, with histidine, which is basic and polar, at codon 1367 of the POLE protein (p.Tyr1367His). This variant is not present in population databases (gnomAD no frequency). This variant has not been reported in the literature in individuals affected with POLE-related conditions. ClinVar contains an entry for this variant (Variation ID: 835354). Invitae Evidence Modeling of protein sequence and biophysical properties (such as structural, functional, and spatial information, amino acid conservation, physicochemical variation, residue mobility, and thermodynamic stability) indicates that this missense variant is expected to disrupt POLE protein function with a positive predictive value of 80%. In summary, the available evidence is currently insufficient to determine the role of this variant in disease. Therefore, it has been classified as a Variant of Uncertain Significance.

Ambry Genetics
Classification: Uncertain significance for Hereditary cancer-predisposing syndrome. Last evaluated: 2025-01-30. Review status: criteria provided, single submitter. Criteria: Ambry Variant Classification Scheme 2023. Collection method: clinical testing. Allele origin: germline.
Comment: The p.Y1367H variant (also known as c.4099T>C), located in coding exon 32 of the POLE gene, results from a T to C substitution at nucleotide position 4099. The tyrosine at codon 1367 is replaced by histidine, an amino acid with similar properties. This amino acid position is conserved. In addition, this alteration is predicted to be tolerated by in silico analysis. Based on the available evidence, the clinical significance of this variant remains unclear.

NM_006231.4(POLE):c.4099T>C (p.Tyr1367His)

Gene: POLE (DNA polymerase epsilon, catalytic subunit; minus strand). Cytogenetic location: 12q24.33.
Variant type: single nucleotide variant.
Coding change: c.4099T>C on transcript NM_006231.4 (MANE Select); coding-DNA position 4099, T replaced by C.
Protein change: p.Tyr1367His; replaces tyrosine 1367 with histidine.
Molecular consequence: missense variant.
Genome position (GRCh38, 1-based): chr12:132,648,979, A>G on the plus strand (T>C on the coding strand, the complement: POLE is on the minus strand). VCF-style: chr12-132648979-A-G. GRCh37 (hg19) VCF-style: chr12-133225565-A-G.
Other names: short protein forms Y1367H.
Identifiers: ClinVar variation 835354 (VCV000835354.13), dbSNP rs979386625, ClinGen allele CA246307861.
Genomic context (GRCh38, chr12:132,648,979, plus strand): 5'-TCCTCCCTACCTTGCGATACGAAGCACCCTCCTCCGCTTTAGCGACTCGCTGGTTCACGT[A>G]GAACACACGGGGGATGCTCAGCCTGATGCAGTGCAAGTCACTGCCAACGAGCGCCCACAG-3'
Protein context (NP_006222.2, residues 1357-1377): CIRLSIPRVF[Tyr1367His]VNQRVAKAEE